The following is an entry in ClinVar:

NM_000744.7(CHRNA4):c.904G>C (p.Val302Leu)

Gene: CHRNA4 (cholinergic receptor nicotinic alpha 4 subunit; minus strand). Cytogenetic location: 20q13.33.
Variant type: single nucleotide variant.
Coding change: c.904G>C on transcript NM_000744.7 (MANE Select); coding-DNA position 904, G replaced by C.
Protein change: p.Val302Leu; replaces valine 302 with leucine.
Molecular consequence: missense variant. On other transcripts: non-coding transcript variant (1).
Genome position (GRCh38, 1-based): chr20:63,350,507, C>G on the plus strand (G>C on the coding strand, the complement: CHRNA4 is on the minus strand). VCF-style: chr20-63350507-C-G. GRCh37 (hg19) VCF-style: chr20-61981859-C-G.
Other names: c.376G>C, p.Val126Leu (NM_001256573.2); short protein forms V126L, V302L.
Identifiers: ClinVar variation 4855550 (VCV004855550.1).

ClinVar aggregate classification (germline): Uncertain significance (1 of 4 stars; one submission).

Conditions:
Autosomal dominant nocturnal frontal lobe epilepsy 1. Also called: CHRNA4-Related Nocturnal Frontal Lobe Epilepsy, Autosomal Dominant; EPILEPSY, NOCTURNAL FRONTAL LOBE, TYPE 1. Identifiers: Orphanet 98784, MedGen C1838049, MONDO:0010899, OMIM 600513.

Submission:

3billion
Classification: Uncertain significance for Autosomal dominant nocturnal frontal lobe epilepsy 1. Last evaluated: 2025-05-27. Review status: criteria provided, single submitter. Criteria: ACMG Guidelines, 2015. Collection method: clinical testing. Allele origin: germline. Affected: yes.
Comment: The variant is not observed in the gnomAD v4.1.0 dataset. Predicted Consequence/Location: Missense variant. Missense changes are a common disease-causing mechanism. In silico tool predictions suggest damaging effect of the variant on gene or gene product [REVEL: 0.83 (>=0.6, sensitivity 0.68 and specificity 0.92); 3Cnet: 0.09 (> 0.75, sensitivity 0.96 and precision 0.92)]. Therefore, this variant is classified as VUS according to the recommendation of ACMG/AMP guideline.